The following is an entry in ClinVar:

ClinVar aggregate classification (germline): Likely benign. Review status: criteria provided, single submitter (1 of 4 stars). 2 submissions from 2 submitters: Likely benign (1). 1 of the submissions does not count toward it. Last evaluated 2023-10-01.

Conditions:
RFX7-related disorder. Also called: RFX7-related condition.

Allele frequency attached by ClinVar (database versions not stated): TOPMed 0.00002; gnomAD 0.00013; gnomAD exomes 0.00026; ExAC 0.00063; 1000 Genomes Project 0.00100; 1000 Genomes Project 30x 0.00109.
gnomAD v4.1: 392 of 1,605,536 alleles (0.024%); highest among the groups gnomAD compares: South Asian, 0.39%; 3 homozygotes.

Submissions (2):

CeGaT Center for Human Genetics Tuebingen
Classification: Likely benign. Last evaluated: 2023-10-01. Review status: criteria provided, single submitter. Criteria: CeGaT Center For Human Genetics Tuebingen Variant Classification Criteria Version 2. Collection method: clinical testing. Allele origin: germline. Affected: yes. Observed: 1 variant allele.
Comment: RFX7: BP4, BS1

PreventionGenetics, part of Exact Sciences
Classification: Likely benign for RFX7-related condition. Last evaluated: 2022-10-24. Review status: no assertion criteria provided. Collection method: clinical testing. Allele origin: germline. Not counted in ClinVar's aggregate classification.
Comment: This variant is classified as likely benign based on ACMG/AMP sequence variant interpretation guidelines (Richards et al. 2015 PMID: 25741868, with internal and published modifications).

NM_022841.7(RFX7):c.1844C>T (p.Thr615Ile)

Gene: RFX7 (regulatory factor X7; minus strand). Cytogenetic location: 15q21.3.
Variant type: single nucleotide variant.
Coding change: c.1844C>T on transcript NM_022841.7 (MANE Select); coding-DNA position 1844, C replaced by T.
Protein change: p.Thr615Ile; replaces threonine 615 with isoleucine.
Molecular consequence: missense variant.
Genome position (GRCh38, 1-based): chr15:56,095,884, G>A on the plus strand (C>T on the coding strand, the complement: RFX7 is on the minus strand). VCF-style: chr15-56095884-G-A. GRCh37 (hg19) VCF-style: chr15-56388082-G-A.
Other names: c.1553C>T, p.Thr518Ile (NM_001368073.2, NM_001368074.1, NM_001370554.1); c.1844C>T, p.Thr615Ile (NM_001370561.1); c.1844C>T (NM_022841.5); short protein forms T518I, T615I.
Identifiers: ClinVar variation 2645374 (VCV002645374.25), dbSNP rs569590220, ClinGen allele CA7578230.